The following is an entry in ClinVar:

ClinVar aggregate classification (germline): Likely benign. Review status: criteria provided, multiple submitters, no conflicts (2 of 4 stars). 3 submissions from 3 submitters: Likely benign (3). Last evaluated 2025-11-17.

Allele frequency attached by ClinVar (database versions not stated): gnomAD exomes 0.00054; gnomAD 0.00056; ExAC 0.00058; 1000 Genomes Project 0.00060; TOPMed 0.00071; 1000 Genomes Project 30x 0.00078; ESP Exome Variant Server 0.00111.
gnomAD v4.1: 1,214 of 1,542,944 alleles (0.079%); highest among the groups gnomAD compares: Admixed American, 0.12%; no homozygotes.

Submissions (3):

Labcorp Genetics (formerly Invitae), Labcorp
Classification: Likely benign. Last evaluated: 2025-11-17. Review status: criteria provided, single submitter. Criteria: Invitae Variant Classification Sherloc (09022015). Collection method: clinical testing. Allele origin: germline.

CeGaT Center for Human Genetics Tuebingen
Classification: Likely benign. Last evaluated: 2025-05-01. Review status: criteria provided, single submitter. Criteria: CeGaT Center For Human Genetics Tuebingen Variant Classification Criteria Version 2. Collection method: clinical testing. Allele origin: germline. Affected: yes. Observed: 2 variant alleles.
Comment: APC2: BP4, BP7

Breakthrough Genomics
Classification: Likely benign. Review status: criteria provided, single submitter. Criteria: ACMG Guidelines, 2015. Collection method: not provided. Allele origin: germline. Inheritance: Autosomal recessive inheritance. Affected: yes.

NM_005883.3(APC2):c.2799C>T (p.Ser933=)

Gene: APC2 (APC regulator of Wnt signaling pathway 2; plus strand). Cytogenetic location: 19p13.3.
Variant type: single nucleotide variant.
Coding change: c.2799C>T on transcript NM_005883.3 (MANE Select); coding-DNA position 2799, C replaced by T.
Protein change: p.Ser933=; no amino-acid change (serine 933 retained).
Molecular consequence: synonymous variant.
Genome position (GRCh38, 1-based): chr19:1,466,100, C>T. VCF-style: chr19-1466100-C-T. GRCh37 (hg19) VCF-style: chr19-1466099-C-T.
Other names: c.2796C>T, p.Ser932= (NM_001351273.1).
Identifiers: ClinVar variation 770455 (VCV000770455.33), dbSNP rs201387467, ClinGen allele CA9045537.
Genomic context (GRCh38, chr19:1,466,100, plus strand): 5'-GCGGCTCAAGGCGGCCCACGCCAGCCTCTCCAACGACAGCCTCAACAGCGGCAGTGCCAG[C>T]GACGGGTACTGCCCACGCGAACATATGCTGCCCTGCCCGCTGGCCGCACTGGCTTCGCGC-3'
Protein context (NP_005874.1, residues 923-943): SNDSLNSGSA[Ser933=]DGYCPREHML